The following is an entry in ClinVar:

ClinVar aggregate classification (germline): Uncertain significance (1 of 4 stars; one submission).

Conditions:
Familial hemophagocytic lymphohistiocytosis 4 (FHL4). Also called: STX11-Related Familial Hemophagocytic Lymphohistiocytosis (STX11-fHLH). Identifiers: Orphanet 540, MedGen C1863728, MONDO:0011336, OMIM 603552.

Allele frequency attached by ClinVar (database versions not stated): ESP Exome Variant Server 0.00008; gnomAD exomes below 0.00001; ExAC 0.00002.

Submission:

Labcorp Genetics (formerly Invitae), Labcorp
Classification: Uncertain significance for Familial hemophagocytic lymphohistiocytosis 4. Last evaluated: 2019-10-24. Review status: criteria provided, single submitter. Criteria: Invitae Variant Classification Sherloc (09022015). Collection method: clinical testing. Allele origin: germline.
Comment: This sequence change replaces asparagine with serine at codon 55 of the STX11 protein (p.Asn55Ser). The asparagine residue is moderately conserved and there is a small physicochemical difference between asparagine and serine. This variant is present in population databases (rs374584215, ExAC 0.006%). This variant has not been reported in the literature in individuals with STX11-related conditions. Algorithms developed to predict the effect of missense changes on protein structure and function are either unavailable or do not agree on the potential impact of this missense change (SIFT: "Deleterious"; PolyPhen-2: "Benign"; Align-GVGD: "Class C0"). In summary, the available evidence is currently insufficient to determine the role of this variant in disease. Therefore, it has been classified as a Variant of Uncertain Significance.

NM_003764.4(STX11):c.164A>G (p.Asn55Ser)

Gene: STX11 (syntaxin 11; plus strand). Cytogenetic location: 6q24.2.
Variant type: single nucleotide variant.
Coding change: c.164A>G on transcript NM_003764.4 (MANE Select); coding-DNA position 164, A replaced by G.
Protein change: p.Asn55Ser; replaces asparagine 55 with serine.
Molecular consequence: missense variant.
Genome position (GRCh38, 1-based): chr6:144,186,791, A>G. VCF-style: chr6-144186791-A-G. GRCh37 (hg19) VCF-style: chr6-144507928-A-G.
Other names: short protein forms N55S.
Identifiers: ClinVar variation 964839 (VCV000964839.1), dbSNP rs374584215, ClinGen allele CA4031640.